The following is an entry in ClinVar:

NM_001111125.3(IQSEC2):c.3990G>A (p.Gly1330=)

Gene: IQSEC2 (IQ motif and Sec7 domain ArfGEF 2; minus strand). Cytogenetic location: Xp11.22.
Variant type: single nucleotide variant.
Coding change: c.3990G>A on transcript NM_001111125.3 (MANE Select); coding-DNA position 3990, G replaced by A.
Protein change: p.Gly1330=; no amino-acid change (glycine 1330 retained).
Molecular consequence: synonymous variant. On other transcripts: 3 prime UTR variant (1).
Genome position (GRCh38, 1-based): chrX:53,234,696, C>T on the plus strand (G>A on the coding strand, the complement: IQSEC2 is on the minus strand). VCF-style: chrX-53234696-C-T. GRCh37 (hg19) VCF-style: chrX-53263878-C-T.
Other names: c.*475G>A (NM_015075.2).
Identifiers: ClinVar variation 129282 (VCV000129282.24), dbSNP rs371450118, ClinGen allele CA231180.

ClinVar aggregate classification (germline): Conflicting classifications of pathogenicity. Review status: criteria provided, conflicting classifications (1 of 4 stars). 7 submissions from 7 submitters: Uncertain significance (1); Benign (4); Likely benign (1). 1 of the submissions does not count toward it. Last evaluated 2026-01-26.

Conditions:
IQSEC2-related disorder. Also called: IQSEC2-related condition.
Inborn genetic diseases. Identifiers: MedGen C0950123, MeSH D030342.
Intellectual developmental disorder, X-linked 1. Also called: Atkin Flaitz Patil Smith syndrome; Intellectual disability, X-linked 1; MENTAL RETARDATION, X-LINKED 18; MENTAL RETARDATION, X-LINKED 78. Identifiers: Orphanet 777, MedGen C2931498, MONDO:0010656, OMIM 309530.

Allele frequency attached by ClinVar (database versions not stated): gnomAD exomes 0.00077 and 0.00352; gnomAD 0.00097 and 0.00122; TOPMed 0.00178; ExAC 0.00282; 1000 Genomes Project 30x 0.00479; 1000 Genomes Project 0.00503.

Submissions (7):

Labcorp Genetics (formerly Invitae), Labcorp
Classification: Benign for Intellectual developmental disorder, X-linked 1. Last evaluated: 2026-01-26. Review status: criteria provided, single submitter. Criteria: Invitae Variant Classification Sherloc (09022015). Collection method: clinical testing. Allele origin: germline.

Athena Diagnostics
Classification: Benign. Last evaluated: 2025-08-26. Review status: criteria provided, single submitter. Criteria: Athena Diagnostics Criteria. Collection method: clinical testing. Allele origin: unknown.
Comment: The frequency of this variant in the general population is higher than would generally be expected for pathogenic variants in this gene.

Blueprint Genetics
Classification: Likely benign. Last evaluated: 2024-11-27. Review status: criteria provided, single submitter. Criteria: ACMG Guidelines, 2015. Collection method: clinical testing. Allele origin: germline.

Ambry Genetics
Classification: Benign for Inborn genetic diseases. Last evaluated: 2016-07-14. Review status: criteria provided, single submitter. Criteria: Ambry Variant Classification Scheme 2023. Collection method: clinical testing. Allele origin: germline.

GeneDx
Classification: Benign. Last evaluated: 2016-03-14. Review status: criteria provided, single submitter. Criteria: GeneDx Variant Classification (06012015). Collection method: clinical testing. Allele origin: germline. Affected: yes.
Comment: This variant is considered likely benign or benign based on one or more of the following criteria: it is a conservative change, it occurs at a poorly conserved position in the protein, it is predicted to be benign by multiple in silico algorithms, and/or has population frequency not consistent with disease.

Genetic Services Laboratory, University of Chicago
Classification: Uncertain significance. Last evaluated: 2013-12-03. Review status: criteria provided, single submitter. Criteria: ACMG Guidelines, 2007. Collection method: clinical testing. Allele origin: germline. Inheritance: X-linked inheritance.

PreventionGenetics, part of Exact Sciences
Classification: Benign for IQSEC2-related condition. Last evaluated: 2024-05-20. Review status: no assertion criteria provided. Collection method: clinical testing. Allele origin: germline. Not counted in ClinVar's aggregate classification.
Comment: This variant is classified as benign based on ACMG/AMP sequence variant interpretation guidelines (Richards et al. 2015 PMID: 25741868, with internal and published modifications).